The following is an entry in ClinVar:

NM_001367624.2(ZNF469):c.1065C>A (p.Leu355=)

Gene: ZNF469 (zinc finger protein 469; plus strand). Cytogenetic location: 16q24.2.
Variant type: single nucleotide variant.
Coding change: c.1065C>A on transcript NM_001367624.2 (MANE Select); coding-DNA position 1065, C replaced by A.
Protein change: p.Leu355=; no amino-acid change (leucine 355 retained).
Molecular consequence: synonymous variant.
Genome position (GRCh38, 1-based): chr16:88,428,535, C>A. VCF-style: chr16-88428535-C-A. GRCh37 (hg19) VCF-style: chr16-88494943-C-A.
Other names: NM_001127464.1:c.1065C>A; NM_001127464.2:c.1065C>A; p.Leu355=.
Identifiers: ClinVar variation 392679 (VCV000392679.22), dbSNP rs748505843, ClinGen allele CA8224655.
Genomic context (GRCh38, chr16:88,428,535, plus strand): 5'-GCCCTGCTACCAGGGCCAGCCAGGTGGCCTGAACCGCCACAGCGACCTCAGTGGTGCCCT[C>A]TCTTCCCCTGGAGCTGCTCACTCGGCCCCGAGACCCTTCTCTGACAGTTTACACAAGAGC-3'
Protein context (NP_001354553.1, residues 345-365): LNRHSDLSGA[Leu355=]SSPGAAHSAP

ClinVar aggregate classification (germline): Conflicting classifications of pathogenicity. Review status: criteria provided, conflicting classifications (1 of 4 stars). 8 submissions from 8 submitters: Uncertain significance (1); Likely benign (6). 1 of the submissions does not count toward it. Last evaluated 2026-02-01.

Conditions:
ZNF469-related disorder. Also called: ZNF469-related condition.
Cardiovascular phenotype. Identifiers: MedGen CN230736.
Ehlers-Danlos syndrome (EDS). Identifiers: Orphanet 98249, MedGen C0013720, MONDO:0020066.

Allele frequency attached by ClinVar (database versions not stated): TOPMed 0.00010.
gnomAD v4.1: 233 of 1,549,982 alleles (0.015%); highest among the groups gnomAD compares: Non-Finnish European, 0.019%; no homozygotes.

Submissions (8):

CeGaT Center for Human Genetics Tuebingen
Classification: Likely benign. Last evaluated: 2026-02-01. Review status: criteria provided, single submitter. Criteria: CeGaT Center For Human Genetics Tuebingen Variant Classification Criteria Version 2. Collection method: clinical testing. Allele origin: germline. Affected: yes. Observed: 1 variant allele.
Comment: ZNF469: BP4, BP7

Labcorp Genetics (formerly Invitae), Labcorp
Classification: Likely benign. Last evaluated: 2025-11-25. Review status: criteria provided, single submitter. Criteria: Invitae Variant Classification Sherloc (09022015). Collection method: clinical testing. Allele origin: germline.

Women's Health and Genetics/Laboratory Corporation of America, LabCorp
Classification: Likely benign. Last evaluated: 2025-06-30. Review status: criteria provided, single submitter. Criteria: LabCorp Variant Classification Summary - May 2015. Collection method: clinical testing. Allele origin: germline.

Mayo Clinic Laboratories, Mayo Clinic
Classification: Likely benign. Last evaluated: 2024-12-19. Review status: criteria provided, single submitter. Criteria: ACMG Guidelines, 2015. Collection method: clinical testing. Allele origin: germline. Observed: 1 variant allele.
Comment: BP4, BP7

Genome Diagnostics Laboratory, The Hospital for Sick Children
Classification: Uncertain significance for Ehlers-Danlos syndrome. Last evaluated: 2020-03-01. Review status: criteria provided, single submitter. Criteria: ACMG Guidelines, 2015. Collection method: clinical testing. Allele origin: germline.

Ambry Genetics
Classification: Likely benign for Cardiovascular phenotype. Last evaluated: 2019-03-27. Review status: criteria provided, single submitter. Criteria: Ambry Variant Classification Scheme 2023. Collection method: clinical testing. Allele origin: germline.

GeneDx
Classification: Likely benign. Last evaluated: 2018-09-15. Review status: criteria provided, single submitter. Criteria: GeneDx Variant Classification Process June 2021. Collection method: clinical testing. Allele origin: germline. Affected: yes.

PreventionGenetics, part of Exact Sciences
Classification: Likely benign for ZNF469-related condition. Last evaluated: 2022-06-15. Review status: no assertion criteria provided. Collection method: clinical testing. Allele origin: germline. Not counted in ClinVar's aggregate classification.
Comment: This variant is classified as likely benign based on ACMG/AMP sequence variant interpretation guidelines (Richards et al. 2015 PMID: 25741868, with internal and published modifications).